The following is an entry in ClinVar:

NM_177559.3(CSNK2A1):c.213+1467_213+1474dup

Gene: CSNK2A1 (casein kinase 2 alpha 1; minus strand). Cytogenetic location: 20p13.
Variant type: Duplication.
Coding change: c.213+1467_213+1474dup on transcript NM_177559.3 (MANE Select); bases 1467 to 1474 of the intron after coding-DNA position 213, 8 bases duplicated (AAAATATG; older notation c.213+1467_213+1474dupAAAATATG).
Molecular consequence: intron variant.
Genome position (GRCh38, 1-based): chr20:503,644-503,651, CATATTTT duplicated on the plus strand (AAAATATG on the coding strand, the reverse complement: CSNK2A1 is on the minus strand). VCF-style (leftmost placement, unchanged base first): chr20-503643-G-GCATATTTT. GRCh37 (hg19) VCF-style: chr20-484287-G-GCATATTTT.
Other names: c.-196+1467_-196+1474dup (NM_177560.3); c.213+1467_213+1474dup (NM_001362771.2, NM_001895.4, NM_001362770.2).
Identifiers: ClinVar variation 2652131 (VCV002652131.24), dbSNP rs147541118, ClinGen allele CA310641501.

ClinVar aggregate classification (germline): Benign (1 of 4 stars; one submission).

Allele frequency attached by ClinVar (database versions not stated): 1000 Genomes Project 0.00399; 1000 Genomes Project 30x 0.00500; gnomAD 0.00916; gnomAD exomes 0.01044.

Submission:

CeGaT Center for Human Genetics Tuebingen
Classification: Benign. Last evaluated: 2026-08-01. Review status: criteria provided, single submitter. Criteria: CeGaT Center For Human Genetics Tuebingen Variant Classification Criteria Version 2. Collection method: clinical testing. Allele origin: germline. Affected: yes. Observed: 45 variant alleles.
Comment: CSNK2A1: BS1, BS2